The following is an entry in ClinVar:

ClinVar aggregate classification (germline): Uncertain significance (1 of 4 stars; one submission).

Submission:

Labcorp Genetics (formerly Invitae), Labcorp
Classification: Uncertain significance. Last evaluated: 2022-07-03. Review status: criteria provided, single submitter. Criteria: Invitae Variant Classification Sherloc (09022015). Collection method: clinical testing. Allele origin: germline.
Comment: In summary, the available evidence is currently insufficient to determine the role of this variant in disease. Therefore, it has been classified as a Variant of Uncertain Significance. Algorithms developed to predict the effect of sequence changes on RNA splicing suggest that this variant may disrupt the consensus splice site. This variant has not been reported in the literature in individuals affected with CD81-related conditions. This variant is not present in population databases (gnomAD no frequency). This sequence change falls in intron 6 of the CD81 gene. It does not directly change the encoded amino acid sequence of the CD81 protein.

NM_004356.4(CD81):c.562-7C>G

Gene: CD81 (CD81 molecule; plus strand). Cytogenetic location: 11p15.5.
Variant type: single nucleotide variant.
Coding change: c.562-7C>G on transcript NM_004356.4 (MANE Select); 7 bases into the intron before coding-DNA position 562, C replaced by G.
Molecular consequence: intron variant.
Genome position (GRCh38, 1-based): chr11:2,396,621, C>G. VCF-style: chr11-2396621-C-G. GRCh37 (hg19) VCF-style: chr11-2417851-C-G.
Other names: c.349-7C>G (NM_001297649.2).
Identifiers: ClinVar variation 2013832 (VCV002013832.4), dbSNP rs1490941091, ClinGen allele CA2580082602.